The following is an entry in ClinVar:

ClinVar aggregate classification (germline): Pathogenic (1 of 4 stars; one submission).

Submission:

GeneDx
Classification: Pathogenic. Last evaluated: 2018-03-26. Review status: criteria provided, single submitter. Criteria: GeneDx Variant Classification (06012015). Collection method: clinical testing. Allele origin: germline. Affected: yes.
Comment: The Y86X nonsense variant in the CDKL5 gene is predicted to cause loss of normal protein function either through protein truncation or nonsense-mediated mRNA decay. Although this pathogenic variant has not been reported previously to our knowledge, other nonsense variants in the CDKL5 gene have been reported in association with CDKL5-related disorders (Stenson et al., 2014).

NM_001323289.2(CDKL5):c.258C>G (p.Tyr86Ter)

Gene: CDKL5 (cyclin dependent kinase like 5; plus strand). Cytogenetic location: Xp22.13.
Variant type: single nucleotide variant.
Coding change: c.258C>G on transcript NM_001323289.2 (MANE Select); coding-DNA position 258, C replaced by G.
Protein change: p.Tyr86Ter; replaces tyrosine 86 with a stop codon.
Molecular consequence: nonsense.
Genome position (GRCh38, 1-based): chrX:18,575,466, C>G. VCF-style: chrX-18575466-C-G. GRCh37 (hg19) VCF-style: chrX-18593586-C-G.
Other names: c.258C>G, p.Tyr86Ter (NM_001037343.2, NM_003159.3); short protein forms Y86*.
Identifiers: ClinVar variation 426143 (VCV000426143.2), dbSNP rs1085307470, ClinGen allele CA412348813.
Genomic context (GRCh38, chrX:18,575,466, plus strand): 5'-TCTCAAGCAGGAAAACATTGTGGAGTTGAAGGAAGCATTTCGTCGGAGGGGAAAGTTGTA[C>G]TTGGTGTTTGAGTATGTTGAAAAAGTAAGTCATTAATTGCCAATGTGCACATTTGCCCGA-3'